The following is an entry in ClinVar:

ClinVar aggregate classification (germline): Uncertain significance (1 of 4 stars; one submission).

Allele frequency attached by ClinVar (database versions not stated): gnomAD exomes 0.00002 and 0.00003; ExAC 0.00003; TOPMed 0.00003; gnomAD 0.00004; ESP Exome Variant Server 0.00008.
gnomAD v4.1: 44 of 1,613,974 alleles (0.0027%); highest among the groups gnomAD compares: Non-Finnish European, 0.0036%; no homozygotes.

Submission:

Labcorp Genetics (formerly Invitae), Labcorp
Classification: Uncertain significance. Last evaluated: 2022-07-06. Review status: criteria provided, single submitter. Criteria: Invitae Variant Classification Sherloc (09022015). Collection method: clinical testing. Allele origin: germline.
Comment: This sequence change replaces alanine, which is neutral and non-polar, with valine, which is neutral and non-polar, at codon 483 of the NBAS protein (p.Ala483Val). This variant is present in population databases (rs200381778, gnomAD 0.005%). This variant has not been reported in the literature in individuals affected with NBAS-related conditions. ClinVar contains an entry for this variant (Variation ID: 1363323). Algorithms developed to predict the effect of missense changes on protein structure and function are either unavailable or do not agree on the potential impact of this missense change (SIFT: "Deleterious"; PolyPhen-2: "Benign"; Align-GVGD: "Class C55"). Algorithms developed to predict the effect of sequence changes on RNA splicing suggest that this variant may create or strengthen a splice site. In summary, the available evidence is currently insufficient to determine the role of this variant in disease. Therefore, it has been classified as a Variant of Uncertain Significance.

NM_015909.4(NBAS):c.1448C>T (p.Ala483Val)

Gene: NBAS (NBAS subunit of NRZ tethering complex; minus strand). Cytogenetic location: 2p24.3.
Variant type: single nucleotide variant.
Coding change: c.1448C>T on transcript NM_015909.4 (MANE Select); coding-DNA position 1448, C replaced by T.
Protein change: p.Ala483Val; replaces alanine 483 with valine.
Molecular consequence: missense variant. On other transcripts: non-coding transcript variant (1).
Genome position (GRCh38, 1-based): chr2:15,474,218, G>A on the plus strand (C>T on the coding strand, the complement: NBAS is on the minus strand). VCF-style: chr2-15474218-G-A. GRCh37 (hg19) VCF-style: chr2-15614342-G-A.
Other names: short protein forms A483V.
Identifiers: ClinVar variation 1363323 (VCV001363323.4), dbSNP rs200381778, ClinGen allele CA1536678.